The following is an entry in ClinVar:

NM_022455.5(NSD1):c.4743T>G (p.Phe1581Leu)

Gene: NSD1 (nuclear receptor binding SET domain protein 1; plus strand). Cytogenetic location: 5q35.3.
Variant type: single nucleotide variant.
Coding change: c.4743T>G on transcript NM_022455.5 (MANE Select); coding-DNA position 4743, T replaced by G.
Protein change: p.Phe1581Leu; replaces phenylalanine 1581 with leucine.
Molecular consequence: missense variant.
Genome position (GRCh38, 1-based): chr5:177,251,831, T>G. VCF-style: chr5-177251831-T-G. GRCh37 (hg19) VCF-style: chr5-176678832-T-G.
Other names: c.3870T>G, p.Phe1290Leu (NM_001365684.2, NM_001409306.1, NM_001409307.1 and 3 more transcripts); c.4743T>G, p.Phe1581Leu (NM_001409301.1, NM_001409302.1, NM_001409303.1); c.4323T>G, p.Phe1441Leu (NM_001409304.1); c.3990T>G, p.Phe1330Leu (NM_001409305.1); short protein forms F1290L, F1330L, F1441L, F1581L.
Identifiers: ClinVar variation 4891024 (VCV004891024.1).

ClinVar aggregate classification (germline): Uncertain significance (1 of 4 stars; one submission).

Submission:

Greenwood Genetic Center Diagnostic Laboratories, Greenwood Genetic Center
Classification: Uncertain significance. Last evaluated: 2026-04-23. Review status: criteria provided, single submitter. Criteria: ACMG Guidelines, 2015. Collection method: clinical testing. Allele origin: germline.
Comment: PM2, PP2